The following is an entry in ClinVar:

ClinVar aggregate classification (germline): Uncertain significance (1 of 4 stars; one submission).

Submission:

GeneDx
Classification: Uncertain significance. Last evaluated: 2025-06-09. Review status: criteria provided, single submitter. Criteria: GeneDx Variant Classification Process June 2021. Collection method: clinical testing. Allele origin: germline. Affected: yes.
Comment: In-frame deletion of 2 amino acid(s) in a non-repeat region; Not observed at significant frequency in large population cohorts (gnomAD); In silico analysis suggests that this variant does not alter protein structure/function; Has not been previously published as pathogenic or benign to our knowledge

NM_014975.3(MAST1):c.2040_2045del (p.Arg681_Tyr682del)

Gene: MAST1 (microtubule associated serine/threonine kinase 1; plus strand). Cytogenetic location: 19p13.13.
Variant type: Deletion.
Coding change: c.2040_2045del on transcript NM_014975.3 (MANE Select); coding-DNA positions 2040 to 2045, 6 bases deleted (CAGGTA; older notation c.2040_2045delCAGGTA).
Protein change: p.Arg681_Tyr682del.
Genome position (GRCh38, 1-based): chr19:12,866,663-12,866,668, CAGGTA deleted; deleting any 6 consecutive bases within chr19:12,866,662-12,866,668 gives the same sequence; the c. name uses the placement nearest the transcript's 3' end. VCF-style (leftmost placement, unchanged base first): chr19-12866661-GACAGGT-G. GRCh37 (hg19) VCF-style: chr19-12977475-GACAGGT-G.
Identifiers: ClinVar variation 4537607 (VCV004537607.1).